The following is an entry in ClinVar:

NM_022114.4(PRDM16):c.2603+217G>A

Gene: PRDM16 (PR/SET domain 16; plus strand). Cytogenetic location: 1p36.32.
Variant type: single nucleotide variant.
Coding change: c.2603+217G>A on transcript NM_022114.4 (MANE Select); 217 bases into the intron after coding-DNA position 2603, G replaced by A.
Molecular consequence: intron variant.
Genome position (GRCh38, 1-based): chr1:3,413,017, G>A. VCF-style: chr1-3413017-G-A. GRCh37 (hg19) VCF-style: chr1-3329581-G-A.
Other names: c.2603+217G>A (NM_199454.3).
Identifiers: ClinVar variation 679068 (VCV000679068.1), dbSNP rs72633334, ClinGen allele CA16968562.

ClinVar aggregate classification (germline): Benign (1 of 4 stars; one submission).

Allele frequency attached by ClinVar (database versions not stated): 1000 Genomes Project 0.03395; 1000 Genomes Project 30x 0.03451; gnomAD 0.03943 and 0.04131; TOPMed 0.04047.
gnomAD v4.1: 5,980 of 152,216 alleles (3.9%); highest among the groups gnomAD compares: Middle Eastern, 7.8%; 158 homozygotes.

Submission:

GeneDx
Classification: Benign. Last evaluated: 2018-06-14. Review status: criteria provided, single submitter. Criteria: GeneDx Variant Classification (06012015). Collection method: clinical testing. Allele origin: germline. Affected: yes.
Comment: This variant is considered likely benign or benign based on one or more of the following criteria: it is a conservative change, it occurs at a poorly conserved position in the protein, it is predicted to be benign by multiple in silico algorithms, and/or has population frequency not consistent with disease.